The following is an entry in ClinVar:

ClinVar aggregate classification (germline): Uncertain significance. Review status: criteria provided, multiple submitters, no conflicts (2 of 4 stars). 4 submissions from 4 submitters: Uncertain significance (4). Last evaluated 2023-04-11.

Conditions:
Inborn genetic diseases. Identifiers: MedGen C0950123, MeSH D030342.
Immunodeficiency, common variable, 7. Identifiers: Orphanet 1572, Orphanet 696894, MedGen C3542922, MONDO:0013862, OMIM 614699.

Allele frequency attached by ClinVar (database versions not stated): TOPMed below 0.00001; ExAC 0.00001; gnomAD exomes below 0.00001.
gnomAD v4.1: 7 of 1,614,136 alleles (0.00043%); highest among the groups gnomAD compares: South Asian, 0.0044%; no homozygotes.

Submissions (4):

Genome-Nilou Lab
Classification: Uncertain significance for Immunodeficiency, common variable, 7. Last evaluated: 2023-04-11. Review status: criteria provided, single submitter. Criteria: ACMG Guidelines, 2015. Collection method: clinical testing. Allele origin: germline. Affected: no.

Labcorp Genetics (formerly Invitae), Labcorp
Classification: Uncertain significance for Immunodeficiency, common variable, 7. Last evaluated: 2022-08-23. Review status: criteria provided, single submitter. Criteria: Invitae Variant Classification Sherloc (09022015). Collection method: clinical testing. Allele origin: germline.
Comment: This sequence change replaces serine, which is neutral and polar, with asparagine, which is neutral and polar, at codon 832 of the CR2 protein (p.Ser832Asn). The frequency data for this variant in the population databases is considered unreliable, as metrics indicate poor data quality at this position in the gnomAD database. This variant has not been reported in the literature in individuals affected with CR2-related conditions. ClinVar contains an entry for this variant (Variation ID: 1339146). Algorithms developed to predict the effect of missense changes on protein structure and function output the following: SIFT: "Tolerated"; PolyPhen-2: "Benign"; Align-GVGD: "Class C0". The asparagine amino acid residue is found in multiple mammalian species, which suggests that this missense change does not adversely affect protein function. In summary, the available evidence is currently insufficient to determine the role of this variant in disease. Therefore, it has been classified as a Variant of Uncertain Significance.

Ambry Genetics
Classification: Uncertain significance for Inborn genetic diseases. Last evaluated: 2021-09-16. Review status: criteria provided, single submitter. Criteria: Ambry Variant Classification Scheme 2023. Collection method: clinical testing. Allele origin: germline.

Neuberg Centre For Genomic Medicine, NCGM
Classification: Uncertain significance for Immunodeficiency, common variable, 7. Review status: criteria provided, single submitter. Criteria: ACMG Guidelines, 2015. Collection method: clinical testing. Allele origin: germline. Affected: yes.
Comment: The missense variant p.S832N in CR2 (NM_001006658.3) has not been reported previously as a pathogenic variant nor as a benign variant, to our knowledge. The p.S832N variant is observed in 1/1,13,464 (0.0009%) alleles from individuals of European (Non-Finnish) background in gnomAD Exomes and is novel (not in any individuals) in 1000 Genomes. For these reasons, this variant has been classified as Uncertain Significance.

NM_001006658.3(CR2):c.2495G>A (p.Ser832Asn)

Gene: CR2 (complement C3d receptor 2; plus strand). Cytogenetic location: 1q32.2.
Variant type: single nucleotide variant.
Coding change: c.2495G>A on transcript NM_001006658.3 (MANE Select); coding-DNA position 2495, G replaced by A.
Protein change: p.Ser832Asn; replaces serine 832 with asparagine.
Molecular consequence: missense variant.
Genome position (GRCh38, 1-based): chr1:207,474,995, G>A. VCF-style: chr1-207474995-G-A. GRCh37 (hg19) VCF-style: chr1-207648340-G-A.
Other names: c.2495G>A (NM_001006658.2); c.2318G>A, p.Ser773Asn (NM_001877.5); short protein forms S773N, S832N.
Identifiers: ClinVar variation 1339146 (VCV001339146.10), dbSNP rs775501900, ClinGen allele CA1368986.